The following is an entry in ClinVar:

NM_021813.4(BACH2):c.1204G>A (p.Val402Met)

Gene: BACH2 (BACH transcriptional regulator 2; minus strand). Cytogenetic location: 6q15.
Variant type: single nucleotide variant.
Coding change: c.1204G>A on transcript NM_021813.4 (MANE Select); coding-DNA position 1204, G replaced by A.
Protein change: p.Val402Met; replaces valine 402 with methionine.
Molecular consequence: missense variant.
Genome position (GRCh38, 1-based): chr6:89,950,902, C>T on the plus strand (G>A on the coding strand, the complement: BACH2 is on the minus strand). VCF-style: chr6-89950902-C-T. GRCh37 (hg19) VCF-style: chr6-90660621-C-T.
Other names: c.1204G>A, p.Val402Met (NM_001170794.2); c.1204G>A (NM_021813.2); short protein forms V402M.
Identifiers: ClinVar variation 2420239 (VCV002420239.6), dbSNP rs757228508, ClinGen allele CA3928035.
Genomic context (GRCh38, chr6:89,950,902, plus strand): 5'-GTTTACAGAGAGCCTCCAACCCAGGCCCCCTGAGGGGCGACCCCATGGTGAAGTTGGACA[C>T]CTCCTTCTGGCCCACGTGGGGCTGTCCATAATTCCCTGTGAAAGGGGTGTAGTCAGTTTT-3'
Protein context (NP_068585.1, residues 392-412): YGQPHVGQKE[Val402Met]SNFTMGSPLR

ClinVar aggregate classification (germline): Uncertain significance. Review status: criteria provided, multiple submitters, no conflicts (2 of 4 stars). 2 submissions from 2 submitters: Uncertain significance (2). Last evaluated 2025-11-20.

Allele frequency attached by ClinVar (database versions not stated): gnomAD exomes 0.00001; ExAC 0.00002; gnomAD 0.00002.
gnomAD v4.1: 23 of 1,596,742 alleles (0.0014%); highest among the groups gnomAD compares: East Asian, 0.0022%; no homozygotes.

Submissions (2):

Ambry Genetics
Classification: Uncertain significance. Last evaluated: 2025-11-20. Review status: criteria provided, single submitter. Criteria: Ambry Variant Classification Scheme 2023. Collection method: clinical testing. Allele origin: germline.

Labcorp Genetics (formerly Invitae), Labcorp
Classification: Uncertain significance. Last evaluated: 2025-11-06. Review status: criteria provided, single submitter. Criteria: Invitae Variant Classification Sherloc (09022015). Collection method: clinical testing. Allele origin: germline.
Comment: This sequence change replaces valine, which is neutral and non-polar, with methionine, which is neutral and non-polar, at codon 402 of the BACH2 protein (p.Val402Met). This variant is present in population databases (rs757228508, gnomAD 0.005%). This variant has not been reported in the literature in individuals affected with BACH2-related conditions. ClinVar contains an entry for this variant (Variation ID: 2420239). Invitae Evidence Modeling of protein sequence and biophysical properties (such as structural, functional, and spatial information, amino acid conservation, physicochemical variation, residue mobility, and thermodynamic stability) indicates that this missense variant is not expected to disrupt BACH2 protein function with a negative predictive value of 80%. In summary, the available evidence is currently insufficient to determine the role of this variant in disease. Therefore, it has been classified as a Variant of Uncertain Significance.